The following is an entry in ClinVar:

NM_000038.6(APC):c.6923C>T (p.Thr2308Ile)

Gene: APC (APC regulator of Wnt signaling pathway; plus strand). Cytogenetic location: 5q22.2.
Variant type: single nucleotide variant.
Coding change: c.6923C>T on transcript NM_000038.6 (MANE Select); coding-DNA position 6923, C replaced by T.
Protein change: p.Thr2308Ile; replaces threonine 2308 with isoleucine.
Molecular consequence: missense variant. On other transcripts: non-coding transcript variant (2).
Genome position (GRCh38, 1-based): chr5:112,842,517, C>T. VCF-style: chr5-112842517-C-T. GRCh37 (hg19) VCF-style: chr5-112178214-C-T.
Other names: c.6923C>T, p.Thr2308Ile (NM_001127510.3, NM_001354895.2, NM_001407450.1); c.6869C>T, p.Thr2290Ile (NM_001127511.3); c.6977C>T, p.Thr2326Ile (NM_001354896.2, NM_001407447.1, NM_001407448.1 and 1 more transcripts); c.6953C>T, p.Thr2318Ile (NM_001354897.2); c.6848C>T, p.Thr2283Ile (NM_001354898.2); c.6839C>T, p.Thr2280Ile (NM_001354899.2); c.6800C>T, p.Thr2267Ile (NM_001354900.2); c.6746C>T, p.Thr2249Ile (NM_001354901.2, NM_001407453.1); and 11 more; short protein forms T1924I, T2025I, T2148I, T2182I, T2249I, T2283I, T2267I, T2290I.
Identifiers: ClinVar variation 2452711 (VCV002452711.5), dbSNP rs2149976337, ClinGen allele CA16036435.
Genomic context (GRCh38, chr5:112,842,517, plus strand): 5'-AGACATCCCAAATAGGTGGGTCAAGTAAAGCACCTTCTAGATCAGGATCTAGAGATTCGA[C>T]CCCTTCAAGACCTGCCCAGCAACCATTAAGTAGACCTATACAGTCTCCTGGCCGAAACTC-3'
Protein context (NP_000029.2, residues 2298-2318): APSRSGSRDS[Thr2308Ile]PSRPAQQPLS

ClinVar aggregate classification (germline): Uncertain significance. Review status: criteria provided, multiple submitters, no conflicts (2 of 4 stars). 2 submissions from 2 submitters: Uncertain significance (2). Last evaluated 2023-03-13.

Conditions:
Familial adenomatous polyposis 1 (FAP1). Also called: POLYPOSIS, ADENOMATOUS INTESTINAL; FAMILIAL ADENOMATOUS POLYPOSIS 1, ATTENUATED. Identifiers: MedGen C2713442, MONDO:0021056, OMIM 175100. Disease mechanism: loss of function.
Hereditary cancer-predisposing syndrome. Also called: Neoplastic Syndromes, Hereditary; Tumor predisposition; Hereditary neoplastic syndrome; Hereditary Cancer Syndrome. Identifiers: Orphanet 140162, MedGen C0027672, MeSH D009386, MONDO:0015356.

Submissions (2):

Labcorp Genetics (formerly Invitae), Labcorp
Classification: Uncertain significance for Familial adenomatous polyposis 1. Last evaluated: 2023-03-13. Review status: criteria provided, single submitter. Criteria: Invitae Variant Classification Sherloc (09022015). Collection method: clinical testing. Allele origin: germline.
Comment: In summary, the available evidence is currently insufficient to determine the role of this variant in disease. Therefore, it has been classified as a Variant of Uncertain Significance. Advanced modeling of protein sequence and biophysical properties (such as structural, functional, and spatial information, amino acid conservation, physicochemical variation, residue mobility, and thermodynamic stability) performed at Invitae indicates that this missense variant is not expected to disrupt APC protein function. This variant has not been reported in the literature in individuals affected with APC-related conditions. This variant is not present in population databases (gnomAD no frequency). This sequence change replaces threonine, which is neutral and polar, with isoleucine, which is neutral and non-polar, at codon 2308 of the APC protein (p.Thr2308Ile).

Ambry Genetics
Classification: Uncertain significance for Hereditary cancer-predisposing syndrome. Last evaluated: 2022-12-23. Review status: criteria provided, single submitter. Criteria: Ambry Variant Classification Scheme 2023. Collection method: clinical testing. Allele origin: germline.
Comment: The p.T2308I variant (also known as c.6923C>T), located in coding exon 15 of the APC gene, results from a C to T substitution at nucleotide position 6923. The threonine at codon 2308 is replaced by isoleucine, an amino acid with similar properties. This amino acid position is conserved. In addition, in silico predictors for this gene do not accurately predict pathogenicity. Since supporting evidence is limited at this time, the clinical significance of this alteration remains unclear.